The following is an entry in ClinVar:

NM_152564.5(VPS13B):c.11620_11623del (p.Ser3876fs)

Gene: VPS13B (vacuolar protein sorting 13 homolog B; plus strand). Cytogenetic location: 8q22.2.
Variant type: Deletion.
Coding change: c.11620_11623del on transcript NM_152564.5 (MANE Select); coding-DNA positions 11620 to 11623, 4 bases deleted (AGTG; older notation c.11620_11623delAGTG).
Protein change: p.Ser3876fs; shifts the reading frame from serine 3876.
Molecular consequence: frameshift variant.
Genome position (GRCh38, 1-based): chr8:99,871,572-99,871,575, AGTG deleted; deleting any 4 consecutive bases within chr8:99,871,569-99,871,575 gives the same sequence; the c. name uses the placement nearest the transcript's 3' end. VCF-style (leftmost placement, unchanged base first): chr8-99871568-GGTGA-G. GRCh37 (hg19) VCF-style: chr8-100883796-GGTGA-G.
Other names: c.11695_11698delAGTG (NM_017890.3, NM_017890.4); c.11695_11698del, p.Ser3901fs (NM_017890.5); c.11620_11623delAGTG (NM_152564.4); short protein forms S3901fs, S3876fs.
Identifiers: ClinVar variation 56640 (VCV000056640.17), dbSNP rs386834066, ClinGen allele CA264017.
Genomic context (GRCh38, chr8:99,871,568, plus strand): 5'-GAGGGGCTCAGGCCAGGAGCATGAAGGGTGCTTGCTGCTGACATCAGAAGTGCTCTTCGT[GGTGA>G]GTGTCAGTGAGGACACACAGCAGCAGGCCTTCCCCGTCACAGAAATCGACTGTGCACAGG-3'

ClinVar aggregate classification (germline): Pathogenic/Likely pathogenic. Review status: criteria provided, multiple submitters, no conflicts (2 of 4 stars). 8 submissions from 8 submitters: Pathogenic (3); Likely pathogenic (2). 3 of the submissions do not count toward it. Last evaluated 2025-10-26.

Conditions:
VPS13B-related disorder. Also called: VPS13B-related condition.
Cohen syndrome (COH1). Also called: PEPPER SYNDROME; Cutis verticis gyrata, retinitis pigmentosa, and sensorineural deafness. Identifiers: Orphanet 193, MedGen C0265223, MONDO:0008999, OMIM 216550.

Submissions (8):

GeneDx
Classification: Likely pathogenic. Last evaluated: 2025-10-26. Review status: criteria provided, single submitter. Criteria: GeneDx Variant Classification Process June 2021. Collection method: clinical testing. Allele origin: germline. Affected: yes.
Comment: Frameshift variant predicted to result in abnormal protein length as the last 122 amino acids are replaced with 39 different amino acids, and other similar variants have been reported; Not observed at significant frequency in large population cohorts (gnomAD); This variant is associated with the following publications: (PMID: 23188044, 20461111)

Natera, Inc.
Classification: Likely pathogenic for Cohen syndrome. Last evaluated: 2025-09-29. Review status: criteria provided, single submitter. Criteria: Natera Variant Classification Schema (03/2026). Collection method: clinical testing. Allele origin: germline.
Comment: The c.11695_11698delAGTG variant in VPS13B is a frameshift variant predicted to shift the reading frame beginning at codon 3901 and leads to a stop codon 40 codons downstream. This variant is expected to result in nonsense mediated decay, truncation, or a dysfunctional protein product. This variant is rare in the general population with a frequency below the threshold expected for the associated phenotype(s). This variant has been observed in one or more individuals affected with the associated recessive disease, as either homozygous or compound heterozygous with a second variant (PMID: 23188044). Given the available evidence, this variant is classified as Likely Pathogenic.

Labcorp Genetics (formerly Invitae), Labcorp
Classification: Pathogenic for Cohen syndrome. Last evaluated: 2024-12-04. Review status: criteria provided, single submitter. Criteria: Invitae Variant Classification Sherloc (09022015). Collection method: clinical testing. Allele origin: germline.
Comment: This sequence change creates a premature translational stop signal (p.Ser3901Argfs*40) in the VPS13B gene. While this is not anticipated to result in nonsense mediated decay, it is expected to disrupt the last 122 amino acid(s) of the VPS13B protein. This variant is present in population databases (rs771209878, gnomAD 0.006%). This premature translational stop signal has been observed in individual(s) with Cohen syndrome (PMID: 20461111, 23188044). In at least one individual the variant was observed to be de novo. This variant is also known as c.11695delAGTG, p.S3899fsX42. ClinVar contains an entry for this variant (Variation ID: 56640). Experimental studies and prediction algorithms are not available or were not evaluated, and the functional significance of this variant is currently unknown. For these reasons, this variant has been classified as Pathogenic.

Women's Health and Genetics/Laboratory Corporation of America, LabCorp
Classification: Pathogenic for Cohen syndrome. Last evaluated: 2021-07-30. Review status: criteria provided, single submitter. Criteria: LabCorp Variant Classification Summary - May 2015. Collection method: clinical testing. Allele origin: germline.
Comment: Variant summary: VPS13B c.11695_11698delAGTG (p.Ser3901ArgfsX40) results in a premature termination codon, predicted to cause a truncation of the encoded protein or absence of the protein due to nonsense mediated decay, which are commonly known mechanisms for disease. Truncations downstream of this position have been classified as pathogenic by our laboratory. The variant allele was found at a frequency of 1.6e-05 in 251458 control chromosomes. c.11695_11698delAGTG has been reported in the literature in individuals affected with Cohen Syndrome (example, El Chehadeh-Djebbar_2013, Parri_2010, Duplomb_2019). To our knowledge, no variant specific experimental evidence demonstrating an impact on protein function has been reported, although one patient with this variant in a compound heterozygous genotype was included in a study that reported decreased expression of Serpin B1 gene in the neutrophils of patients with Cohen syndrome as well as in VPS13B-deficient cells (Duplomb_2019). Two clinical diagnostic laboratories have submitted clinical-significance assessments for this variant to ClinVar after 2014 without evidence for independent evaluation. All laboratories classified the variant as pathogenic/likely pathogenic. Based on the evidence outlined above, the variant was classified as pathogenic.

Blueprint Genetics
Classification: Pathogenic for VPS13B-related disorders. Last evaluated: 2019-01-05. Review status: criteria provided, single submitter. Criteria: ACMG Guidelines, 2015. Collection method: clinical testing. Allele origin: germline. Affected: yes. Observed: 3 variant alleles.

PreventionGenetics, part of Exact Sciences
Classification: Pathogenic for VPS13B-related condition. Last evaluated: 2024-07-17. Review status: no assertion criteria provided. Collection method: clinical testing. Allele origin: germline. Not counted in ClinVar's aggregate classification.
Comment: The VPS13B c.11620_11623delAGTG variant is predicted to result in a frameshift and premature protein termination (p.Ser3876Argfs*40). This variant has previously been reported to be causative for Cohen syndrome (reported as c.11695delAGTG in Parri et al. 2010. PubMed ID: 20461111; reported as c.11695_11698delAGTG in Duplomb et al. 2014. PubMed ID: 24334764). This variant is reported in 0.0054% of alleles in individuals of East Asian descent in gnomAD. Frameshift variants in VPS13B are expected to be pathogenic. This variant is interpreted as pathogenic.

Counsyl
Classification: Likely pathogenic for Cohen syndrome. Last evaluated: 2014-03-27. Review status: no assertion criteria provided. Collection method: literature only. Allele origin: unknown. Inheritance: Autosomal recessive inheritance. Not counted in ClinVar's aggregate classification.

Juha Muilu Group; Institute for Molecular Medicine Finland (FIMM)
Classification: Likely pathogenic for Cohen syndrome. Review status: no assertion criteria provided. Collection method: not provided. Allele origin: unknown. Not counted in ClinVar's aggregate classification.
Comment: FinDis database variant: This variant was not found or characterized by our laboratory, data were collected from public sources: see reference
ClinVar note: Converted during submission from probable-pathogenic to Likely pathogenic.

Literature cited by the submitters: PubMed 23188044 (cited by 4 submitters); PubMed 20461111 (cited by 3 submitters); PubMed 24334764 (cited by Women's Health and Genetics/Laboratory Corporation of America, LabCorp).